The following is an entry in ClinVar:

NM_006648.4(WNK2):c.6197C>A (p.Pro2066His)

Gene: WNK2 (WNK lysine deficient protein kinase 2; plus strand). Cytogenetic location: 9q22.31.
Variant type: single nucleotide variant.
Coding change: c.6197C>A on transcript NM_006648.4 (MANE Select); coding-DNA position 6197, C replaced by A.
Protein change: p.Pro2066His; replaces proline 2066 with histidine.
Molecular consequence: missense variant.
Genome position (GRCh38, 1-based): chr9:93,300,132, C>A. VCF-style: chr9-93300132-C-A. GRCh37 (hg19) VCF-style: chr9-96062414-C-A.
Other names: c.6308C>A, p.Pro2103His (NM_001282394.3); short protein forms P2103H, P2066H.
Identifiers: ClinVar variation 5031834 (VCV005031834.1).

ClinVar aggregate classification (germline): Uncertain significance (1 of 4 stars; one submission).

Submission:

Ambry Genetics
Classification: Uncertain significance. Last evaluated: 2026-07-08. Review status: criteria provided, single submitter. Criteria: Ambry Variant Classification Scheme 2023. Collection method: clinical testing. Allele origin: germline.
Comment: The p.P2066H variant (also known as c.6197C>A), located in coding exon 25 of the WNK2 gene, results from a C to A substitution at nucleotide position 6197. The proline at codon 2066 is replaced by histidine, an amino acid with similar properties. This amino acid position is conserved. In addition, this alteration is predicted to be deleterious by in silico analysis. Based on the available evidence, the clinical significance of this variant remains unclear.